The following is an entry in ClinVar:

ClinVar aggregate classification (germline): Uncertain significance. Review status: criteria provided, multiple submitters, no conflicts (2 of 4 stars). 2 submissions from 2 submitters: Uncertain significance (2). Last evaluated 2024-05-28.

Conditions:
DICER1-related tumor predisposition. Also called: DICER1-related pleuropulmonary blastoma cancer predisposition syndrome; DICER1 syndrome. Identifiers: Orphanet 284343, MedGen C3839822, MONDO:0100216.
Hereditary cancer-predisposing syndrome. Also called: Tumor predisposition; Neoplastic Syndromes, Hereditary; Hereditary Cancer Syndrome; Hereditary neoplastic syndrome. Identifiers: Orphanet 140162, MedGen C0027672, MeSH D009386, MONDO:0015356.

Allele frequency attached by ClinVar (database versions not stated): TOPMed below 0.00001.

Submissions (2):

Labcorp Genetics (formerly Invitae), Labcorp
Classification: Uncertain significance for DICER1-related tumor predisposition. Last evaluated: 2024-05-28. Review status: criteria provided, single submitter. Criteria: Invitae Variant Classification Sherloc (09022015). Collection method: clinical testing. Allele origin: germline.
Comment: This sequence change replaces leucine, which is neutral and non-polar, with phenylalanine, which is neutral and non-polar, at codon 1058 of the DICER1 protein (p.Leu1058Phe). This variant is not present in population databases (gnomAD no frequency). This variant has not been reported in the literature in individuals affected with DICER1-related conditions. ClinVar contains an entry for this variant (Variation ID: 2586415). Advanced modeling of protein sequence and biophysical properties (such as structural, functional, and spatial information, amino acid conservation, physicochemical variation, residue mobility, and thermodynamic stability) has been performed at Invitae for this missense variant, however the output from this modeling did not meet the statistical confidence thresholds required to predict the impact of this variant on DICER1 protein function. In summary, the available evidence is currently insufficient to determine the role of this variant in disease. Therefore, it has been classified as a Variant of Uncertain Significance.

Ambry Genetics
Classification: Uncertain significance for Hereditary cancer-predisposing syndrome. Last evaluated: 2023-07-29. Review status: criteria provided, single submitter. Criteria: Ambry Variant Classification Scheme 2023. Collection method: clinical testing. Allele origin: germline.
Comment: The p.L1058F variant (also known as c.3172C>T), located in coding exon 19 of the DICER1 gene, results from a C to T substitution at nucleotide position 3172. The leucine at codon 1058 is replaced by phenylalanine, an amino acid with highly similar properties. This amino acid position is conserved. In addition, the in silico prediction for this alteration is inconclusive. Since supporting evidence is limited at this time, the clinical significance of this alteration remains unclear.

NM_177438.3(DICER1):c.3172C>T (p.Leu1058Phe)

Gene: DICER1 (dicer 1, ribonuclease III; minus strand). Cytogenetic location: 14q32.13.
Variant type: single nucleotide variant.
Coding change: c.3172C>T on transcript NM_177438.3 (MANE Select); coding-DNA position 3172, C replaced by T.
Protein change: p.Leu1058Phe; replaces leucine 1058 with phenylalanine.
Molecular consequence: missense variant. On other transcripts: non-coding transcript variant (6).
Genome position (GRCh38, 1-based): chr14:95,105,168, G>A on the plus strand (C>T on the coding strand, the complement: DICER1 is on the minus strand). VCF-style: chr14-95105168-G-A. GRCh37 (hg19) VCF-style: chr14-95571505-G-A.
Other names: c.3172C>T, p.Leu1058Phe (NM_001195573.1, NM_001271282.3, NM_001291628.2 and 13 more transcripts); c.2890C>T, p.Leu964Phe (NM_001395686.1); c.2767C>T, p.Leu923Phe (NM_001395687.1, NM_001395688.1, NM_001395689.1 and 2 more transcripts); c.2605C>T, p.Leu869Phe (NM_001395691.1); c.1489C>T, p.Leu497Phe (NM_001395697.1); short protein forms L869F, L964F, L1058F, L497F, L923F.
Identifiers: ClinVar variation 2586415 (VCV002586415.4), dbSNP rs1555370024, ClinGen allele CA390876662.